The following is an entry in ClinVar:

ClinVar aggregate classification (germline): Pathogenic (1 of 4 stars; one submission).

Conditions:
Polycystic kidney disease 4 (PKD4). Also called: POLYCYSTIC KIDNEY AND HEPATIC DISEASE 1; POLYCYSTIC KIDNEY DISEASE, INFANTILE, TYPE I; POLYCYSTIC KIDNEY DISEASE 4 WITH OR WITHOUT POLYCYSTIC LIVER DISEASE; PKD3; Autosomal Recessive Polycystic Kidney Disease – PKHD1. Identifiers: MedGen C4540575, MONDO:0033004, OMIM 263200.

Submission:

Myriad Genetics, Inc.
Classification: Pathogenic for Polycystic kidney disease 4. Last evaluated: 2023-08-10. Review status: criteria provided, single submitter. Criteria: Myriad Autosomal Dominant, Autosomal Recessive and X-Linked Classification Criteria (2023). Collection method: clinical testing. Allele origin: unknown.
Comment: NM_138694.3(PKHD1):c.3059del1ins17(R1020Tfs*29) is expected to be pathogenic in the context of autosomal recessive polycystic kidney disease, PKHD1-related. This variant is predicted to lead to an abnormal or absent protein product due to the creation of a premature termination codon in PKHD1, a gene where loss-of-function variants are known to be pathogenic. Please note: this variant was assessed in the context of healthy population screening.

NM_138694.4(PKHD1):c.3059delinsCACTCAAACCAATAATT (p.Arg1020fs)

Gene: PKHD1 (PKHD1 ciliary IPT domain containing fibrocystin/polyductin; minus strand). Cytogenetic location: 6p12.2.
Variant type: Indel.
Coding change: c.3059delinsCACTCAAACCAATAATT on transcript NM_138694.4 (MANE Select); coding-DNA position 3059, G replaced by CACTCAAACCAATAATT.
Protein change: p.Arg1020fs; shifts the reading frame from arginine 1020.
Molecular consequence: frameshift variant.
Genome position (GRCh38, 1-based): chr6:52,042,897, C replaced by AATTATTGGTTTGAGTG on the plus strand (G replaced by CACTCAAACCAATAATT on the coding strand, the reverse complement: PKHD1 is on the minus strand). VCF-style: chr6-52042897-C-AATTATTGGTTTGAGTG. GRCh37 (hg19) VCF-style: chr6-51907695-C-AATTATTGGTTTGAGTG.
Other names: c.3059delinsCACTCAAACCAATAATT, p.Arg1020fs (NM_170724.3); short protein forms R1020fs.
Identifiers: ClinVar variation 5011304 (VCV005011304.1).
Genomic context (GRCh38, chr6:52,042,897, plus strand): 5'-TGTGAGACCCTCCCCAGATTACCAATATCCGCAGCTCTGGAAGGCTCCACCATATCCAGT[C>AATTATTGGTTTGAGTG]TAGGTTTCACATTTAGGAAGAGGTCTTCTCCAGTGGCACTGATGGCAAGACCAGAGGGTC-3'